The following is an entry in ClinVar:

ClinVar aggregate classification (germline): Uncertain significance (1 of 4 stars; one submission).

Conditions:
Hereditary cancer-predisposing syndrome. Also called: Neoplastic Syndromes, Hereditary; Tumor predisposition; Hereditary neoplastic syndrome; Hereditary Cancer Syndrome. Identifiers: Orphanet 140162, MedGen C0027672, MeSH D009386, MONDO:0015356.

Submission:

Ambry Genetics
Classification: Uncertain significance for Hereditary cancer-predisposing syndrome. Last evaluated: 2026-07-06. Review status: criteria provided, single submitter. Criteria: Ambry Variant Classification Scheme 2023. Collection method: clinical testing. Allele origin: germline.
Comment: The p.P357S variant (also known as c.1069C>T), located in coding exon 9 of the NBN gene, results from a C to T substitution at nucleotide position 1069. The proline at codon 357 is replaced by serine, an amino acid with similar properties. This amino acid position is conserved. In addition, this alteration is predicted to be tolerated by in silico analysis. Based on the available evidence, the clinical significance of this variant remains unclear.

NM_002485.5(NBN):c.1069C>T (p.Pro357Ser)

Gene: NBN (nibrin; minus strand). Cytogenetic location: 8q21.3.
Variant type: single nucleotide variant.
Coding change: c.1069C>T on transcript NM_002485.5 (MANE Select); coding-DNA position 1069, C replaced by T.
Protein change: p.Pro357Ser; replaces proline 357 with serine.
Molecular consequence: missense variant.
Genome position (GRCh38, 1-based): chr8:89,958,780, G>A on the plus strand (C>T on the coding strand, the complement: NBN is on the minus strand). VCF-style: chr8-89958780-G-A. GRCh37 (hg19) VCF-style: chr8-90971008-G-A.
Other names: c.823C>T, p.Pro275Ser (NM_001024688.3, NM_001440379.1, NM_001440380.1); short protein forms P275S, P357S.
Identifiers: ClinVar variation 5025406 (VCV005025406.1).